The following is an entry in ClinVar:

NM_004370.6(COL12A1):c.8980T>C (p.Ser2994Pro)

Gene: COL12A1 (collagen type XII alpha 1 chain; minus strand). Cytogenetic location: 6q13.
Variant type: single nucleotide variant.
Coding change: c.8980T>C on transcript NM_004370.6 (MANE Select); coding-DNA position 8980, T replaced by C.
Protein change: p.Ser2994Pro; replaces serine 2994 with proline.
Molecular consequence: missense variant.
Genome position (GRCh38, 1-based): chr6:75,089,136, A>G on the plus strand (T>C on the coding strand, the complement: COL12A1 is on the minus strand). VCF-style: chr6-75089136-A-G. GRCh37 (hg19) VCF-style: chr6-75798852-A-G.
Other names: p.Ser2994Pro; c.5488T>C, p.Ser1830Pro (NM_080645.3); short protein forms S2994P, S1830P.
Identifiers: ClinVar variation 259355 (VCV000259355.19), dbSNP rs34846477, ClinGen allele CA3892059.

ClinVar aggregate classification (germline): Benign/Likely benign. Review status: criteria provided, multiple submitters, no conflicts (2 of 4 stars). 5 submissions from 5 submitters: Benign (4); Likely benign (1). Last evaluated 2026-02-02.

Conditions:
Ullrich congenital muscular dystrophy 2 (UCMD2). Identifiers: Orphanet 75840, MedGen C4225314, MONDO:0014654, OMIM 616470.
Bethlem myopathy 2 (BTHLM2). Identifiers: Orphanet 536516, Orphanet 610, MedGen C4225313, MONDO:0034022, OMIM 616471.

Allele frequency attached by ClinVar (database versions not stated): gnomAD exomes 0.00373 and 0.00156; ExAC 0.00469; gnomAD 0.01510 and 0.01603; ESP Exome Variant Server 0.01632; TOPMed 0.01717; 1000 Genomes Project 0.01977; 1000 Genomes Project 30x 0.02186.
gnomAD v4.1: 4,698 of 1,611,696 alleles (0.29%); highest among the groups gnomAD compares: African/African-American, 5.2%; 102 homozygotes.

Submissions (5):

Labcorp Genetics (formerly Invitae), Labcorp
Classification: Benign for Bethlem myopathy 2; Ullrich congenital muscular dystrophy 2. Last evaluated: 2026-02-02. Review status: criteria provided, single submitter. Criteria: Invitae Variant Classification Sherloc (09022015). Collection method: clinical testing. Allele origin: germline.

Women's Health and Genetics/Laboratory Corporation of America, LabCorp
Classification: Likely benign. Last evaluated: 2026-01-22. Review status: criteria provided, single submitter. Criteria: LabCorp Variant Classification Summary - May 2015. Collection method: clinical testing. Allele origin: germline.

Mayo Clinic Laboratories, Mayo Clinic
Classification: Benign. Last evaluated: 2025-02-03. Review status: criteria provided, single submitter. Criteria: ACMG Guidelines, 2015. Collection method: clinical testing. Allele origin: germline. Observed: 11 variant alleles.
Comment: BA1, BS2, BP4_moderate

GeneDx
Classification: Benign. Last evaluated: 2018-07-09. Review status: criteria provided, single submitter. Criteria: GeneDx Variant Classification Process June 2021. Collection method: clinical testing. Allele origin: germline. Affected: yes.

PreventionGenetics, part of Exact Sciences
Classification: Benign. Review status: criteria provided, single submitter. Criteria: ACMG Guidelines, 2015. Collection method: clinical testing. Allele origin: germline.